The following is an entry in ClinVar:

NM_020631.6(PLEKHG5):c.43+20G>T

Genes: PLEKHG5 (pleckstrin homology and RhoGEF domain containing G5; minus strand), LOC126805598 (MED14-independent group 3 enhancer GRCh37_chr1:6536823-6538022; plus strand). Cytogenetic location: 1p36.31.
Variant type: single nucleotide variant.
Coding change: c.43+20G>T on transcript NM_020631.6 (MANE Select); 20 bases into the intron after coding-DNA position 43, G replaced by T.
Molecular consequence: intron variant.
Genome position (GRCh38, 1-based): chr1:6,477,509, C>A on the plus strand (G>T on the coding strand, the complement: PLEKHG5 is on the minus strand). VCF-style: chr1-6477509-C-A. GRCh37 (hg19) VCF-style: chr1-6537569-C-A.
Other names: c.43+20G>T (NM_198681.4, NM_001265594.3, NM_001042664.2 and 1 more transcripts); c.154+20G>T (NM_001042663.3, NM_001265592.2); c.250+20G>T (NM_001265593.2).
Identifiers: ClinVar variation 516578 (VCV000516578.9), dbSNP rs200779049, ClinGen allele CA562030.

ClinVar aggregate classification (germline): Benign/Likely benign. Review status: criteria provided, multiple submitters, no conflicts (2 of 4 stars). 2 submissions from 2 submitters: Benign (1); Likely benign (1). Last evaluated 2026-02-01.

Conditions:
Neuronopathy, distal hereditary motor, autosomal recessive 4. Also called: NEUROPATHY, DISTAL HEREDITARY MOTOR, AUTOSOMAL RECESSIVE 4; Autosomal recessive lower motor neuron disease with childhood onset. Identifiers: Orphanet 206580, MedGen C1970211, MONDO:0012608, OMIM 611067.
Charcot-Marie-Tooth disease recessive intermediate C. Also called: CHARCOT-MARIE-TOOTH NEUROPATHY, RECESSIVE INTERMEDIATE C. Identifiers: Orphanet 369867, MedGen C3809309, MONDO:0014154, OMIM 615376.

Allele frequency attached by ClinVar (database versions not stated): gnomAD 0.00011 and 0.00013; TOPMed 0.00016; ESP Exome Variant Server 0.00023.
gnomAD v4.1: 255 of 1,600,102 alleles (0.016%); highest among the groups gnomAD compares: Admixed American, 0.005%; no homozygotes.

Submissions (2):

Labcorp Genetics (formerly Invitae), Labcorp
Classification: Benign for Neuronopathy, distal hereditary motor, autosomal recessive 4; Charcot-Marie-Tooth disease recessive intermediate C. Last evaluated: 2026-02-01. Review status: criteria provided, single submitter. Criteria: Invitae Variant Classification Sherloc (09022015). Collection method: clinical testing. Allele origin: germline.

GeneDx
Classification: Likely benign. Last evaluated: 2017-05-11. Review status: criteria provided, single submitter. Criteria: GeneDx Variant Classification (06012015). Collection method: clinical testing. Allele origin: germline. Affected: yes.
Comment: This variant is considered likely benign or benign based on one or more of the following criteria: it is a conservative change, it occurs at a poorly conserved position in the protein, it is predicted to be benign by multiple in silico algorithms, and/or has population frequency not consistent with disease.